The following is an entry in ClinVar:

ClinVar aggregate classification (germline): Uncertain significance (1 of 4 stars; one submission).

Conditions:
Hereditary sensory and autonomic neuropathy type 6. Also called: HSAN VI; Neuropathy, hereditary sensory and autonomic, type VI. Identifiers: Orphanet 314381, MedGen C3539003, MONDO:0013839, OMIM 614653.
Epidermolysis bullosa simplex 3, localized or generalized intermediate, with BP230 deficiency (EBS3). Also called: Epidermolysis bullosa simplex due to BP230 deficiency; Epidermolysis bullosa simplex, autosomal recessive 2. Identifiers: Orphanet 412181, MedGen C3809470, MONDO:0014180, OMIM 615425.

gnomAD v4.1: 2 of 1,613,852 alleles (0.00012%); highest among the groups gnomAD compares: Non-Finnish European, 0.00017%; no homozygotes.

Submission:

Labcorp Genetics (formerly Invitae), Labcorp
Classification: Uncertain significance for Epidermolysis bullosa simplex 3, localized or generalized intermediate, with BP230 deficiency; Hereditary sensory and autonomic neuropathy type 6. Last evaluated: 2019-02-05. Review status: criteria provided, single submitter. Criteria: Invitae Variant Classification Sherloc (09022015). Collection method: clinical testing. Allele origin: germline.
Comment: This sequence change replaces valine with isoleucine at codon 3527 of the DST protein (p.Val3527Ile). The valine residue is moderately conserved and there is a small physicochemical difference between valine and isoleucine. The DST gene has multiple clinically relevant transcripts. The p.Val3527Ile variant occurs in alternate transcript NM_015548.4, which corresponds to :c.*99939G>A in NM_001723.5, the primary transcript listed in the Methods. This variant is not present in population databases (ExAC no frequency). This variant has not been reported in the literature in individuals with DST-related conditions. Algorithms developed to predict the effect of missense changes on protein structure and function are either unavailable or do not agree on the potential impact of this missense change (SIFT: "Tolerated"; PolyPhen-2: "Not Available"; Align-GVGD: "Class C0"). In summary, the available evidence is currently insufficient to determine the role of this variant in disease. Therefore, it has been classified as a Variant of Uncertain Significance.

NM_001374736.1(DST):c.18448G>A (p.Val6150Ile)

Gene: DST (dystonin; minus strand). Cytogenetic location: 6p12.1.
Variant type: single nucleotide variant.
Coding change: c.18448G>A on transcript NM_001374736.1 (MANE Select); coding-DNA position 18448, G replaced by A.
Protein change: p.Val6150Ile; replaces valine 6150 with isoleucine.
Molecular consequence: missense variant.
Genome position (GRCh38, 1-based): chr6:56,515,578, C>T on the plus strand (G>A on the coding strand, the complement: DST is on the minus strand). VCF-style: chr6-56515578-C-T. GRCh37 (hg19) VCF-style: chr6-56380376-C-T.
Other names: c.12091G>A, p.Val4031Ile (NM_001144769.5); c.11677G>A, p.Val3893Ile (NM_001144770.2); c.18448G>A, p.Val6150Ile (NM_001374722.1); c.17488G>A, p.Val5830Ile (NM_001374729.1); c.11230G>A, p.Val3744Ile (NM_001374730.1); c.18475G>A, p.Val6159Ile (NM_001374734.1); c.11557G>A, p.Val3853Ile (NM_001386100.1, NM_183380.4); c.10579G>A, p.Val3527Ile (NM_015548.5); short protein forms V3527I, V3744I, V3853I, V3893I, V4031I, V5830I, V6150I, V6159I.
Identifiers: ClinVar variation 1058231 (VCV001058231.7), dbSNP rs2152486037, ClinGen allele CA364503255.
Genomic context (GRCh38, chr6:56,515,578, plus strand): 5'-TTGATTGTGTTTCTGTCAGCCATGGCCAAAGTTCTTCATATGTTTCCCAGAATTGGTTAA[C>T]CAGGGACTGTGCCCGTTCCAGCTGCAGATACCTTTCTGAATTAATCTGGCAGATGGTATC-3'
Protein context (NP_001361665.1, residues 6140-6160): YLQLERAQSL[Val6150Ile]NQFWETYEEL